The following is an entry in ClinVar:

NM_001015880.2(PAPSS2):c.1324C>G (p.Pro442Ala)

Gene: PAPSS2 (3'-phosphoadenosine 5'-phosphosulfate synthase 2; plus strand). Cytogenetic location: 10q23.31.
Variant type: single nucleotide variant.
Coding change: c.1324C>G on transcript NM_001015880.2 (MANE Select); coding-DNA position 1324, C replaced by G.
Protein change: p.Pro442Ala; replaces proline 442 with alanine.
Molecular consequence: missense variant.
Genome position (GRCh38, 1-based): chr10:87,743,474, C>G. VCF-style: chr10-87743474-C-G. GRCh37 (hg19) VCF-style: chr10-89503231-C-G.
Other names: c.1309C>G, p.Pro437Ala (NM_004670.4); short protein forms P437A, P442A.
Identifiers: ClinVar variation 1398871 (VCV001398871.5), dbSNP rs755518410, ClinGen allele CA5589720.

ClinVar aggregate classification (germline): Uncertain significance (1 of 4 stars; one submission).

Conditions:
Spondyloepimetaphyseal dysplasia, PAPSS2 type. Also called: BRACHYOLMIA TYPE 4 WITH MILD EPIPHYSEAL AND METAPHYSEAL CHANGES; SPONDYLODYSPLASIA AND PREMATURE PUBARCHE; SEMD, PAKISTANI TYPE. Identifiers: Orphanet 93282, MedGen C2748516, MONDO:0019666, OMIM 612847.

Allele frequency attached by ClinVar (database versions not stated): TOPMed 0.00001; gnomAD 0.00003.
gnomAD v4.1: 8 of 1,614,004 alleles (0.0005%); highest among the groups gnomAD compares: Admixed American, 0.0067%; no homozygotes.

Submission:

Labcorp Genetics (formerly Invitae), Labcorp
Classification: Uncertain significance for Spondyloepimetaphyseal dysplasia, PAPSS2 type. Last evaluated: 2022-10-13. Review status: criteria provided, single submitter. Criteria: Invitae Variant Classification Sherloc (09022015). Collection method: clinical testing. Allele origin: germline.
Comment: This sequence change replaces proline, which is neutral and non-polar, with alanine, which is neutral and non-polar, at codon 442 of the PAPSS2 protein (p.Pro442Ala). This variant is present in population databases (rs755518410, gnomAD no frequency). This variant has not been reported in the literature in individuals affected with PAPSS2-related conditions. ClinVar contains an entry for this variant (Variation ID: 1398871). Algorithms developed to predict the effect of missense changes on protein structure and function are either unavailable or do not agree on the potential impact of this missense change (SIFT: "Deleterious"; PolyPhen-2: "Probably Damaging"; Align-GVGD: "Class C0"). In summary, the available evidence is currently insufficient to determine the role of this variant in disease. Therefore, it has been classified as a Variant of Uncertain Significance.